The following is an entry in ClinVar:

ClinVar aggregate classification (germline): Likely benign (1 of 4 stars; one submission).

Submission:

CeGaT Center for Human Genetics Tuebingen
Classification: Likely benign. Last evaluated: 2023-07-01. Review status: criteria provided, single submitter. Criteria: CeGaT Center For Human Genetics Tuebingen Variant Classification Criteria Version 2. Collection method: clinical testing. Allele origin: germline. Affected: yes. Observed: 1 variant allele.
Comment: SPECC1L: PM2:Supporting, BP4, BP7

NM_015330.6(SPECC1L):c.723C>T (p.Ser241=)

Genes: SPECC1L (sperm antigen with calponin homology and coiled-coil domains 1 like; plus strand), SPECC1L-ADORA2A (SPECC1L-ADORA2A readthrough (NMD candidate); plus strand). Cytogenetic location: 22q11.23.
Variant type: single nucleotide variant.
Coding change: c.723C>T on transcript NM_015330.6 (MANE Select); coding-DNA position 723, C replaced by T.
Protein change: p.Ser241=; no amino-acid change (serine 241 retained).
Molecular consequence: synonymous variant. On other transcripts: non-coding transcript variant (1).
Genome position (GRCh38, 1-based): chr22:24,321,703, C>T. VCF-style: chr22-24321703-C-T. GRCh37 (hg19) VCF-style: chr22-24717671-C-T.
Other names: c.723C>T, p.Ser241= (NM_001145468.4, NM_001254732.3).
Identifiers: ClinVar variation 2652996 (VCV002652996.24), dbSNP rs2517651128, ClinGen allele CA514158753.